The following is an entry in ClinVar:

ClinVar aggregate classification (germline): Likely benign (1 of 4 stars; one submission).

Conditions:
LEPR-related disorder. Also called: LEPR-related condition; LEPR-related disorders.

Submission:

PreventionGenetics, part of Exact Sciences
Classification: Likely benign for LEPR-related condition. Last evaluated: 2025-08-13. Review status: criteria provided, single submitter. Criteria: ACMG Guidelines, 2015. Collection method: clinical testing. Allele origin: germline.
Comment: This variant is classified as likely benign based on ACMG/AMP sequence variant interpretation guidelines (Richards et al. 2015 PMID: 25741868, with internal and published modifications).

NM_002303.6(LEPR):c.3255C>A (p.Ile1085=)

Gene: LEPR (leptin receptor; plus strand). Cytogenetic location: 1p31.3.
Variant type: single nucleotide variant.
Coding change: c.3255C>A on transcript NM_002303.6 (MANE Select); coding-DNA position 3255, C replaced by A.
Protein change: p.Ile1085=; no amino-acid change (isoleucine 1085 retained).
Molecular consequence: synonymous variant.
Genome position (GRCh38, 1-based): chr1:65,636,772, C>A. VCF-style: chr1-65636772-C-A. GRCh37 (hg19) VCF-style: chr1-66102455-C-A.
Identifiers: ClinVar variation 4996114 (VCV004996114.1).